The following is an entry in ClinVar:

NM_000051.4(ATM):c.2860C>T (p.Leu954Phe)

Gene: ATM (ATM serine/threonine kinase; plus strand). Cytogenetic location: 11q22.3.
Variant type: single nucleotide variant.
Coding change: c.2860C>T on transcript NM_000051.4 (MANE Select); coding-DNA position 2860, C replaced by T.
Protein change: p.Leu954Phe; replaces leucine 954 with phenylalanine.
Molecular consequence: missense variant.
Genome position (GRCh38, 1-based): chr11:108,271,085, C>T. VCF-style: chr11-108271085-C-T. GRCh37 (hg19) VCF-style: chr11-108141812-C-T.
Other names: c.2860C>T, p.Leu954Phe (NM_001351834.2); short protein forms L954F.
Identifiers: ClinVar variation 845111 (VCV000845111.7), dbSNP rs2081549194, ClinGen allele CA382546762.

ClinVar aggregate classification (germline): Uncertain significance (1 of 4 stars; one submission).

Conditions:
Ataxia-telangiectasia syndrome (AT). Also called: Ataxia-telangiectasia, complementation group D; AT, COMPLEMENTATION GROUP C; Ataxia telangiectasia (A-T); Cerebello-oculocutaneous telangiectasia; Immunodeficiency with ataxia telangiectasia; Ataxia-telangiectasia. Identifiers: Orphanet 100, MedGen C0004135, MONDO:0008840, OMIM 208900.

Submission:

Labcorp Genetics (formerly Invitae), Labcorp
Classification: Uncertain significance for Ataxia-telangiectasia syndrome. Last evaluated: 2021-08-27. Review status: criteria provided, single submitter. Criteria: Invitae Variant Classification Sherloc (09022015). Collection method: clinical testing. Allele origin: germline.
Comment: In summary, the available evidence is currently insufficient to determine the role of this variant in disease. Therefore, it has been classified as a Variant of Uncertain Significance. Algorithms developed to predict the effect of missense changes on protein structure and function are either unavailable or do not agree on the potential impact of this missense change (SIFT: "Deleterious"; PolyPhen-2: "Probably Damaging"; Align-GVGD: "Class C15"). This variant has not been reported in the literature in individuals affected with ATM-related conditions. This variant is not present in population databases (ExAC no frequency). This sequence change replaces leucine with phenylalanine at codon 954 of the ATM protein (p.Leu954Phe). The leucine residue is highly conserved and there is a small physicochemical difference between leucine and phenylalanine.